The following is an entry in ClinVar:

ClinVar aggregate classification (germline): Uncertain significance. Review status: criteria provided, multiple submitters, no conflicts (2 of 4 stars). 2 submissions from 2 submitters: Uncertain significance (2). Last evaluated 2025-11-26.

Conditions:
Inborn genetic diseases. Identifiers: MedGen C0950123, MeSH D030342.

gnomAD v4.1: 7 of 1,612,990 alleles (0.00043%); highest among the groups gnomAD compares: African/African-American, 0.0067%; no homozygotes.

Submissions (2):

Ambry Genetics
Classification: Uncertain significance for Inborn genetic diseases. Last evaluated: 2025-11-26. Review status: criteria provided, single submitter. Criteria: Ambry Variant Classification Scheme 2023. Collection method: clinical testing. Allele origin: germline.

Labcorp Genetics (formerly Invitae), Labcorp
Classification: Uncertain significance. Last evaluated: 2025-09-24. Review status: criteria provided, single submitter. Criteria: Invitae Variant Classification Sherloc (09022015). Collection method: clinical testing. Allele origin: germline.
Comment: This sequence change replaces glutamine, which is neutral and polar, with lysine, which is basic and polar, at codon 37 of the ANKRD26 protein (p.Gln37Lys). This variant is present in population databases (no rsID available, gnomAD 0.008%). This variant has not been reported in the literature in individuals affected with ANKRD26-related conditions. ClinVar contains an entry for this variant (Variation ID: 3396168). An algorithm developed to predict the effect of missense changes on protein structure and function (PolyPhen-2) suggests that this variant is likely to be tolerated. In summary, the available evidence is currently insufficient to determine the role of this variant in disease. Therefore, it has been classified as a Variant of Uncertain Significance.

NM_014915.3(ANKRD26):c.109C>A (p.Gln37Lys)

Genes: ANKRD26 (ankyrin repeat domain 26; minus strand), LOC130003554 (ATAC-STARR-seq lymphoblastoid silent region 2243; plus strand). Cytogenetic location: 10p12.1.
Variant type: single nucleotide variant.
Coding change: c.109C>A on transcript NM_014915.3 (MANE Select); coding-DNA position 109, C replaced by A.
Protein change: p.Gln37Lys; replaces glutamine 37 with lysine.
Molecular consequence: missense variant.
Genome position (GRCh38, 1-based): chr10:27,100,218, G>T on the plus strand (C>A on the coding strand, the complement: ANKRD26 is on the minus strand). VCF-style: chr10-27100218-G-T. GRCh37 (hg19) VCF-style: chr10-27389147-G-T.
Other names: c.109C>A, p.Gln37Lys (NM_001256053.2); short protein forms Q37K.
Identifiers: ClinVar variation 3396168 (VCV003396168.4).